The following is an entry in ClinVar:

NM_014989.7(RIMS1):c.752C>A (p.Ala251Asp)

Gene: RIMS1 (regulating synaptic membrane exocytosis 1; plus strand). Cytogenetic location: 6q13.
Variant type: single nucleotide variant.
Coding change: c.752C>A on transcript NM_014989.7 (MANE Select); coding-DNA position 752, C replaced by A.
Protein change: p.Ala251Asp; replaces alanine 251 with aspartic acid.
Molecular consequence: missense variant.
Genome position (GRCh38, 1-based): chr6:72,179,855, C>A. VCF-style: chr6-72179855-C-A. GRCh37 (hg19) VCF-style: chr6-72889558-C-A.
Other names: short protein forms A251D.
Identifiers: ClinVar variation 1476283 (VCV001476283.6), dbSNP rs1470925915, ClinGen allele CA364818819.
Genomic context (GRCh38, chr6:72,179,855, plus strand): 5'-ATGCTGCTCCTCCCAGCGCACCACCAGACAGGAGCAAAGGGGCTGAGCCCTCGCAGCAAG[C>A]CTTGGGGCCTGAACAGAAGCAGGCTTCATCCAGGTCTAGAAGTGAACCTCCTAGAGAGAG-3'
Protein context (NP_055804.2, residues 241-261): RSKGAEPSQQ[Ala251Asp]LGPEQKQASS

ClinVar aggregate classification (germline): Uncertain significance (1 of 4 stars; one submission).

gnomAD v4.1: 3 of 1,602,486 alleles (0.00019%); highest among the groups gnomAD compares: South Asian, 0.0034%; no homozygotes.

Submission:

Labcorp Genetics (formerly Invitae), Labcorp
Classification: Uncertain significance. Last evaluated: 2022-09-27. Review status: criteria provided, single submitter. Criteria: Invitae Variant Classification Sherloc (09022015). Collection method: clinical testing. Allele origin: germline.
Comment: This sequence change replaces alanine, which is neutral and non-polar, with aspartic acid, which is acidic and polar, at codon 251 of the RIMS1 protein (p.Ala251Asp). In summary, the available evidence is currently insufficient to determine the role of this variant in disease. Therefore, it has been classified as a Variant of Uncertain Significance. Algorithms developed to predict the effect of missense changes on protein structure and function are either unavailable or do not agree on the potential impact of this missense change (SIFT: "Deleterious"; PolyPhen-2: "Benign"; Align-GVGD: "Class C0"). ClinVar contains an entry for this variant (Variation ID: 1476283). This missense change has been observed in individual(s) with retinitis pigmentosa (Invitae). This variant is not present in population databases (gnomAD no frequency).